The following is an entry in ClinVar:

ClinVar aggregate classification (germline): Conflicting classifications of pathogenicity. Review status: criteria provided, conflicting classifications (1 of 4 stars). 5 submissions from 5 submitters: Uncertain significance (4); Likely benign (1). Last evaluated 2025-02-12.

Conditions:
Hereditary cancer-predisposing syndrome. Also called: Tumor predisposition; Hereditary Cancer Syndrome; Hereditary neoplastic syndrome; Neoplastic Syndromes, Hereditary. Identifiers: Orphanet 140162, MedGen C0027672, MeSH D009386, MONDO:0015356.
Hereditary breast ovarian cancer syndrome. Also called: Breast and ovarian cancer; Hereditary breast and/or ovarian cancer syndrome; BRCA1- and BRCA2-Associated Hereditary Breast and Ovarian Cancer; Hereditary breast and ovarian cancer syndrome; Hereditary breast and ovarian cancer syndrome (HBOC); Hereditary breast and ovarian cancer. Identifiers: Orphanet 145, MedGen C0677776, MeSH D061325, MONDO:0003582. Disease mechanism: loss of function.
Breast-ovarian cancer, familial, susceptibility to, 1 (BROVCA1). Also called: BRCA1 Hereditary Breast and Ovarian Cancer; OVARIAN CANCER, SUSCEPTIBILITY TO. Identifiers: Orphanet 145, MedGen C2676676, MONDO:0011450, OMIM 604370. Disease mechanism: loss of function.

Allele frequency attached by ClinVar (database versions not stated): gnomAD 0.00001; TOPMed 0.00001.
gnomAD v4.1: 1 of 1,613,968 alleles (0.000062%); highest among the groups gnomAD compares: African/African-American, 0.0013%; no homozygotes.

Submissions (5):

Ambry Genetics
Classification: Uncertain significance for Hereditary cancer-predisposing syndrome. Last evaluated: 2025-02-12. Review status: criteria provided, single submitter. Criteria: Ambry Variant Classification Scheme 2023. Collection method: clinical testing. Allele origin: germline.
Comment: The p.S645C variant (also known as c.1934C>G), located in coding exon 9 of the BRCA1 gene, results from a C to G substitution at nucleotide position 1934. The serine at codon 645 is replaced by cysteine, an amino acid with dissimilar properties. This amino acid position is not well conserved in available vertebrate species. In addition, this alteration is predicted to be deleterious by in silico analysis. Since supporting evidence is limited at this time, the clinical significance of this alteration remains unclear.

All of Us Research Program, National Institutes of Health
Classification: Uncertain significance for Breast-ovarian cancer, familial, susceptibility to, 1. Last evaluated: 2024-01-11. Review status: criteria provided, single submitter. Criteria: ACMG Guidelines, 2015. Collection method: clinical testing. Allele origin: germline. Inheritance: Autosomal dominant inheritance. Observed: 1 variant allele, 1 heterozygote.
Comment: This missense variant replaces serine with cysteine at codon 645 of the BRCA1 protein. Computational prediction is inconclusive regarding the impact of this variant on protein structure and function (internally defined REVEL score threshold 0.5 < inconclusive < 0.7, PMID: 27666373). To our knowledge, functional studies have not been reported for this variant. This variant has not been reported in individuals affected with hereditary cancer in the literature. This variant has not been identified in the general population by the Genome Aggregation Database (gnomAD). The available evidence is insufficient to determine the role of this variant in disease conclusively. Therefore, this variant is classified as a Variant of Uncertain Significance.

This study involves interpretation of variants in research participants for the purpose of population health screening. Participant phenotype was not available at the time of variant classification. Additional details can be found in publication PMID: 35346344, PMCID: PMC8962531

Quest Diagnostics Nichols Institute San Juan Capistrano
Classification: Uncertain significance. Last evaluated: 2023-10-31. Review status: criteria provided, single submitter. Criteria: Quest Diagnostics criteria. Collection method: clinical testing. Allele origin: unknown.
Comment: The BRCA1 c.1934C>G (p.Ser645Cys) variant has not been reported in individuals with BRCA1-related conditions in the published literature. It also has not been reported in large, multi-ethnic general populations (Genome Aggregation Database). Analysis of this variant using bioinformatics tools for the prediction of the effect of amino acid changes on protein structure and function yielded predictions that this variant is damaging. Based on the available information, we are unable to determine the clinical significance of this variant.

Labcorp Genetics (formerly Invitae), Labcorp
Classification: Uncertain significance for Hereditary breast ovarian cancer syndrome. Last evaluated: 2023-06-18. Review status: criteria provided, single submitter. Criteria: Invitae Variant Classification Sherloc (09022015). Collection method: clinical testing. Allele origin: germline.
Comment: In summary, the available evidence is currently insufficient to determine the role of this variant in disease. Therefore, it has been classified as a Variant of Uncertain Significance. Advanced modeling of protein sequence and biophysical properties (such as structural, functional, and spatial information, amino acid conservation, physicochemical variation, residue mobility, and thermodynamic stability) performed at Invitae indicates that this missense variant is not expected to disrupt BRCA1 protein function. ClinVar contains an entry for this variant (Variation ID: 531244). This variant has not been reported in the literature in individuals affected with BRCA1-related conditions. This variant is present in population databases (no rsID available, gnomAD 0.007%). This sequence change replaces serine, which is neutral and polar, with cysteine, which is neutral and slightly polar, at codon 645 of the BRCA1 protein (p.Ser645Cys).

University of Washington Department of Laboratory Medicine, University of Washington
Classification: Likely benign for Hereditary cancer-predisposing syndrome. Last evaluated: 2023-03-23. Review status: criteria provided, single submitter. Criteria: Dines et al. (Genet Med. 2020). Collection method: curation. Allele origin: germline.
Comment: Missense variant in a coldspot region where missense variants are very unlikely to be pathogenic (PMID:31911673).

BRCA1 coldspot (exon 11 using historical exon numbering). Reclassification based on statistical prior probability

NM_007294.4(BRCA1):c.1934C>G (p.Ser645Cys)

Gene: BRCA1 (BRCA1 DNA repair associated; minus strand). Cytogenetic location: 17q21.31.
Variant type: single nucleotide variant.
Coding change: c.1934C>G on transcript NM_007294.4 (MANE Select); coding-DNA position 1934, C replaced by G.
Protein change: p.Ser645Cys; replaces serine 645 with cysteine.
Molecular consequence: missense variant. On other transcripts: intron variant (137).
Genome position (GRCh38, 1-based): chr17:43,093,597, G>C on the plus strand (C>G on the coding strand, the complement: BRCA1 is on the minus strand). VCF-style: chr17-43093597-G-C. GRCh37 (hg19) VCF-style: chr17-41245614-G-C.
Other names: c.1601C>G, p.Ser534Cys (NM_001407949.1, NM_001407950.1, NM_001407951.1 and 6 more transcripts); c.1598C>G, p.Ser533Cys (NM_001407954.1, NM_001407955.1, NM_001407956.1 and 1 more transcripts); c.1721C>G, p.Ser574Cys (NM_001407571.1, NM_001407853.1, NM_001407894.1 and 9 more transcripts); c.1934C>G, p.Ser645Cys (NM_001407581.1, NM_001407582.1, NM_001407583.1 and 30 more transcripts); c.1931C>G, p.Ser644Cys (NM_001407587.1, NM_001407590.1, NM_001407591.1 and 22 more transcripts); c.1925C>G, p.Ser642Cys (NM_001407646.1, NM_001407647.1); c.1811C>G, p.Ser604Cys (NM_001407648.1, NM_001407664.1, NM_001407665.1 and 19 more transcripts); c.1808C>G, p.Ser603Cys (NM_001407649.1, NM_001407670.1, NM_001407671.1 and 11 more transcripts); and 40 more; short protein forms S645C, S598C, S534C, S577C, S604C, S618C, S644C, S517C.
Identifiers: ClinVar variation 531244 (VCV000531244.19), dbSNP rs80357129, ClinGen allele CA10598158.
Genomic context (GRCh38, chr17:43,093,597, plus strand): 5'-TTTCTGCTGTGCCTGACTGGCATTTGGTTGTACTTTTTTTTCTTTATCTCTTCACTGCTA[G>C]AACAACTATCAATTTGCAATTCAGTACAATTAGGTGGGCTTAGATTTCTACTGACTACTA-3'
Protein context (NP_009225.1, residues 635-655): NCTELQIDSC[Ser645Cys]SSEEIKKKKY